The following is an entry in ClinVar:

NM_058216.3(RAD51C):c.872A>G (p.Asp291Gly)

Gene: RAD51C (RAD51 paralog C; plus strand). Cytogenetic location: 17q22.
Variant type: single nucleotide variant.
Coding change: c.872A>G on transcript NM_058216.3 (MANE Select); coding-DNA position 872, A replaced by G.
Protein change: p.Asp291Gly; replaces aspartic acid 291 with glycine.
Molecular consequence: missense variant. On other transcripts: non-coding transcript variant (1).
Genome position (GRCh38, 1-based): chr17:58,720,780, A>G. VCF-style: chr17-58720780-A-G. GRCh37 (hg19) VCF-style: chr17-56798141-A-G.
Other names: c.872A>G (NM_058216.1); short protein forms D291G.
Identifiers: ClinVar variation 490132 (VCV000490132.9), dbSNP rs1555602124, ClinGen allele CA400359582.
Genomic context (GRCh38, chr17:58,720,780, plus strand): 5'-AATTTTCTTACATTTTGTTTTTGTAGGTAATTTTAACCAATCAGATGACAACAAAGATTG[A>G]TAGAAATCAGGCCTTGCTTGTTCCTGCATTAGGTGGGTAATTAATCAGATAAACATTTTA-3'
Protein context (NP_478123.1, residues 281-301): ILTNQMTTKI[Asp291Gly]RNQALLVPAL

ClinVar aggregate classification (germline): Conflicting classifications of pathogenicity. Review status: criteria provided, conflicting classifications (1 of 4 stars). 2 submissions from 2 submitters: Uncertain significance (1); Benign (1). Last evaluated 2025-10-28.

Conditions:
Hereditary cancer-predisposing syndrome. Also called: Hereditary Cancer Syndrome; Neoplastic Syndromes, Hereditary; Tumor predisposition; Hereditary neoplastic syndrome. Identifiers: Orphanet 140162, MedGen C0027672, MeSH D009386, MONDO:0015356.

gnomAD v4.1: 1 of 1,612,714 alleles (0.000062%); no homozygotes.

Submissions (2):

Ambry Genetics
Classification: Benign for Hereditary cancer-predisposing syndrome. Last evaluated: 2025-10-28. Review status: criteria provided, single submitter. Criteria: Ambry Variant Classification Scheme 2023. Collection method: clinical testing. Allele origin: germline.

Color Diagnostics, LLC DBA Color Health
Classification: Uncertain significance for Hereditary cancer-predisposing syndrome. Last evaluated: 2023-12-05. Review status: criteria provided, single submitter. Criteria: ACMG Guidelines, 2015. Collection method: clinical testing. Allele origin: germline.
Comment: This missense variant replaces aspartic acid with glycine at codon 291 of the RAD51C protein. Computational prediction suggests that this variant may not impact protein structure and function (internally defined REVEL score threshold <= 0.5, PMID: 27666373). To our knowledge, functional studies have not been reported for this variant. This variant has not been reported in individuals affected with RAD51C-related disorders in the literature. This variant has not been identified in the general population by the Genome Aggregation Database (gnomAD). The available evidence is insufficient to determine the role of this variant in disease conclusively. Therefore, this variant is classified as a Variant of Uncertain Significance.